The following is an entry in ClinVar:

NM_001127208.3(TET2):c.3277A>G (p.Thr1093Ala)

Genes: TET2 (tet methylcytosine dioxygenase 2; plus strand), TET2-AS1 (TET2 antisense RNA 1; minus strand). Cytogenetic location: 4q24.
Variant type: single nucleotide variant.
Coding change: c.3277A>G on transcript NM_001127208.3 (MANE Select); coding-DNA position 3277, A replaced by G.
Protein change: p.Thr1093Ala; replaces threonine 1093 with alanine.
Molecular consequence: missense variant.
Genome position (GRCh38, 1-based): chr4:105,237,219, A>G. VCF-style: chr4-105237219-A-G. GRCh37 (hg19) VCF-style: chr4-106158376-A-G.
Other names: c.3277A>G, p.Thr1093Ala (NM_017628.4); short protein forms T1093A.
Identifiers: ClinVar variation 4183018 (VCV004183018.1).

ClinVar aggregate classification (germline): Uncertain significance (1 of 4 stars; one submission).

Submission:

Ambry Genetics
Classification: Uncertain significance. Last evaluated: 2025-08-12. Review status: criteria provided, single submitter. Criteria: Ambry Variant Classification Scheme 2023. Collection method: clinical testing. Allele origin: germline.
Comment: The p.T1093A variant (also known as c.3277A>G), located in coding exon 1 of the TET2 gene, results from an A to G substitution at nucleotide position 3277. The threonine at codon 1093 is replaced by alanine, an amino acid with similar properties. This amino acid position is conserved. In addition, this alteration is predicted to be tolerated by in silico analysis. Based on the available evidence, the clinical significance of this variant remains unclear.